The following is an entry in ClinVar:

ClinVar aggregate classification (germline): Uncertain significance. Review status: criteria provided, multiple submitters, no conflicts (2 of 4 stars). 2 submissions from 2 submitters: Uncertain significance (2). Last evaluated 2024-03-02.

Allele frequency attached by ClinVar (database versions not stated): TOPMed below 0.00001; gnomAD exomes 0.00001.

Submissions (2):

Blueprint Genetics
Classification: Uncertain significance. Last evaluated: 2024-03-02. Review status: criteria provided, single submitter. Criteria: ACMG Guidelines, 2015. Collection method: clinical testing. Allele origin: germline.

Labcorp Genetics (formerly Invitae), Labcorp
Classification: Uncertain significance. Last evaluated: 2022-04-15. Review status: criteria provided, single submitter. Criteria: Invitae Variant Classification Sherloc (09022015). Collection method: clinical testing. Allele origin: germline.
Comment: This variant has not been reported in the literature in individuals affected with CEP250-related conditions. Algorithms developed to predict the effect of missense changes on protein structure and function output the following: SIFT: "Not Available"; PolyPhen-2: "Benign"; Align-GVGD: "Not Available". The leucine amino acid residue is found in multiple mammalian species, which suggests that this missense change does not adversely affect protein function. In summary, the available evidence is currently insufficient to determine the role of this variant in disease. Therefore, it has been classified as a Variant of Uncertain Significance. This variant is present in population databases (no rsID available, gnomAD 0.003%). This sequence change replaces isoleucine, which is neutral and non-polar, with leucine, which is neutral and non-polar, at codon 968 of the CEP250 protein (p.Ile968Leu).

NM_007186.6(CEP250):c.2902A>T (p.Ile968Leu)

Gene: CEP250 (centrosomal protein 250; plus strand). Cytogenetic location: 20q11.22.
Variant type: single nucleotide variant.
Coding change: c.2902A>T on transcript NM_007186.6 (MANE Select); coding-DNA position 2902, A replaced by T.
Protein change: p.Ile968Leu; replaces isoleucine 968 with leucine.
Molecular consequence: missense variant.
Genome position (GRCh38, 1-based): chr20:35,493,441, A>T. VCF-style: chr20-35493441-A-T. GRCh37 (hg19) VCF-style: chr20-34081268-A-T.
Other names: c.1006A>T, p.Ile336Leu (NM_001318219.1); short protein forms I336L, I968L.
Identifiers: ClinVar variation 1898200 (VCV001898200.6), dbSNP rs1432391394, ClinGen allele CA408741151.